The following is an entry in ClinVar:

ClinVar aggregate classification (germline): Benign. Review status: criteria provided, multiple submitters, no conflicts (2 of 4 stars). 2 submissions from 2 submitters: Benign (2). Last evaluated 2018-06-14.

Allele frequency attached by ClinVar (database versions not stated): gnomAD 0.19643 and 0.20624; TOPMed 0.20563; 1000 Genomes Project 30x 0.25859; 1000 Genomes Project 0.26717.
gnomAD v4.1: 31,362 of 152,174 alleles (21%); highest among the groups gnomAD compares: East Asian, 61%; 4,265 homozygotes.

Submissions (2):

GeneDx
Classification: Benign. Last evaluated: 2018-06-14. Review status: criteria provided, single submitter. Criteria: GeneDx Variant Classification (06012015). Collection method: clinical testing. Allele origin: germline. Affected: yes.
Comment: This variant is considered likely benign or benign based on one or more of the following criteria: it is a conservative change, it occurs at a poorly conserved position in the protein, it is predicted to be benign by multiple in silico algorithms, and/or has population frequency not consistent with disease.

Breakthrough Genomics
Classification: Benign. Review status: criteria provided, single submitter. Criteria: ACMG Guidelines, 2015. Collection method: not provided. Allele origin: germline. Inheritance: Autosomal recessive inheritance. Affected: yes.

NM_147127.5(EVC2):c.2047-182A>G

Gene: EVC2 (EvC ciliary complex subunit 2; minus strand). Cytogenetic location: 4p16.2.
Variant type: single nucleotide variant.
Coding change: c.2047-182A>G on transcript NM_147127.5 (MANE Select); 182 bases into the intron before coding-DNA position 2047, A replaced by G.
Molecular consequence: intron variant.
Genome position (GRCh38, 1-based): chr4:5,623,173, T>C on the plus strand (A>G on the coding strand, the complement: EVC2 is on the minus strand). VCF-style: chr4-5623173-T-C. GRCh37 (hg19) VCF-style: chr4-5624900-T-C.
Other names: c.1807-182A>G (NM_001166136.2).
Identifiers: ClinVar variation 671301 (VCV000671301.2), dbSNP rs35325839, ClinGen allele CA11744127.